The following is an entry in ClinVar:

NM_024675.4(PALB2):c.1553C>A (p.Ser518Ter)

Gene: PALB2 (partner and localizer of BRCA2; minus strand). Cytogenetic location: 16p12.2.
Variant type: single nucleotide variant.
Coding change: c.1553C>A on transcript NM_024675.4 (MANE Select); coding-DNA position 1553, C replaced by A.
Protein change: p.Ser518Ter; replaces serine 518 with a stop codon.
Molecular consequence: nonsense.
Genome position (GRCh38, 1-based): chr16:23,634,993, G>T on the plus strand (C>A on the coding strand, the complement: PALB2 is on the minus strand). VCF-style: chr16-23634993-G-T. GRCh37 (hg19) VCF-style: chr16-23646314-G-T.
Other names: short protein forms S518*.
Identifiers: ClinVar variation 842300 (VCV000842300.15), dbSNP rs1060502805, ClinGen allele CA395130804.

ClinVar aggregate classification (germline): Pathogenic. Review status: criteria provided, multiple submitters, no conflicts (2 of 4 stars). 4 submissions from 4 submitters: Pathogenic (3). 1 of the submissions does not count toward it. Last evaluated 2024-04-16.

Conditions:
PALB2-related disorder. Also called: PALB2-related disorders; PALB2-related condition.
Hereditary cancer-predisposing syndrome. Also called: Hereditary Cancer Syndrome; Hereditary neoplastic syndrome; Tumor predisposition; Neoplastic Syndromes, Hereditary. Identifiers: Orphanet 140162, MedGen C0027672, MeSH D009386, MONDO:0015356.
Familial cancer of breast. Also called: hereditary breast carcinoma; BREAST CANCER, FAMILIAL; Hereditary breast cancer. Identifiers: Orphanet 227535, MedGen C0346153, MONDO:0016419, OMIM 114480. Disease mechanism: loss of function.

Submissions (4):

Labcorp Genetics (formerly Invitae), Labcorp
Classification: Pathogenic for Familial cancer of breast. Last evaluated: 2024-04-16. Review status: criteria provided, single submitter. Criteria: Invitae Variant Classification Sherloc (09022015). Collection method: clinical testing. Allele origin: germline.
Comment: This sequence change creates a premature translational stop signal (p.Ser518*) in the PALB2 gene. It is expected to result in an absent or disrupted protein product. Loss-of-function variants in PALB2 are known to be pathogenic (PMID: 17200668, 17200671, 17200672, 24136930, 25099575). This variant is not present in population databases (gnomAD no frequency). This variant has not been reported in the literature in individuals affected with PALB2-related conditions. ClinVar contains an entry for this variant (Variation ID: 842300). For these reasons, this variant has been classified as Pathogenic.

Ambry Genetics
Classification: Pathogenic for Hereditary cancer-predisposing syndrome. Last evaluated: 2024-03-05. Review status: criteria provided, single submitter. Criteria: Ambry Variant Classification Scheme 2023. Collection method: clinical testing. Allele origin: germline.
Comment: The p.S518* pathogenic mutation (also known as c.1553C>A), located in coding exon 4 of the PALB2 gene, results from a C to A substitution at nucleotide position 1553. This changes the amino acid from a serine to a stop codon within coding exon 4. This variant is considered to be rare based on population cohorts in the Genome Aggregation Database (gnomAD). This alteration is expected to result in loss of function by premature protein truncation or nonsense-mediated mRNA decay. As such, this alteration is interpreted as a disease-causing mutation.

Myriad Genetics, Inc.
Classification: Pathogenic for Familial cancer of breast. Last evaluated: 2023-09-11. Review status: criteria provided, single submitter. Criteria: Myriad Autosomal Dominant, Autosomal Recessive and X-Linked Classification Criteria (2023). Collection method: clinical testing. Allele origin: unknown.
Comment: This variant is considered pathogenic. This variant creates a termination codon and is predicted to result in premature protein truncation.

PreventionGenetics, part of Exact Sciences
Classification: Likely pathogenic for PALB2-related condition. Last evaluated: 2024-07-12. Review status: no assertion criteria provided. Collection method: clinical testing. Allele origin: germline. Not counted in ClinVar's aggregate classification.
Comment: The PALB2 c.1553C>A variant is predicted to result in premature protein termination (p.Ser518*). To our knowledge, this variant has not been reported in the literature or in a large population database, indicating this variant is rare. This variant is interpreted as likely pathogenic in ClinVar. Nonsense variants in PALB2 are expected to be pathogenic. This variant is interpreted as likely pathogenic.

Literature cited by the submitters: PubMed 17200668 (cited by Labcorp Genetics (formerly Invitae), Labcorp); PubMed 17200671 (cited by Labcorp Genetics (formerly Invitae), Labcorp); PubMed 17200672 (cited by Labcorp Genetics (formerly Invitae), Labcorp); PubMed 24136930 (cited by Labcorp Genetics (formerly Invitae), Labcorp); PubMed 25099575 (cited by Labcorp Genetics (formerly Invitae), Labcorp).